The following is an entry in ClinVar:

NM_006361.6(HOXB13):c.610G>A (p.Gly204Arg)

Gene: HOXB13 (homeobox B13; minus strand). Cytogenetic location: 17q21.32.
Variant type: single nucleotide variant.
Coding change: c.610G>A on transcript NM_006361.6 (MANE Select); coding-DNA position 610, G replaced by A.
Protein change: p.Gly204Arg; replaces glycine 204 with arginine.
Molecular consequence: missense variant.
Genome position (GRCh38, 1-based): chr17:48,727,035, C>T on the plus strand (G>A on the coding strand, the complement: HOXB13 is on the minus strand). VCF-style: chr17-48727035-C-T. GRCh37 (hg19) VCF-style: chr17-46804397-C-T.
Other names: short protein forms G204R.
Identifiers: ClinVar variation 483477 (VCV000483477.27), dbSNP rs1014715541, ClinGen allele CA291349265.

ClinVar aggregate classification (germline): Uncertain significance. Review status: criteria provided, multiple submitters, no conflicts (2 of 4 stars). 6 submissions from 6 submitters: Uncertain significance (6). Last evaluated 2026-04-02.

Conditions:
HOXB13-related disorder. Also called: HOXB13-related disorders; HOXB13-related condition.
Hereditary cancer-predisposing syndrome. Also called: Neoplastic Syndromes, Hereditary; Hereditary Cancer Syndrome; Tumor predisposition; Hereditary neoplastic syndrome. Identifiers: Orphanet 140162, MedGen C0027672, MeSH D009386, MONDO:0015356.

Allele frequency attached by ClinVar (database versions not stated): gnomAD 0.00003.

Submissions (6):

PreventionGenetics, part of Exact Sciences
Classification: Uncertain significance for HOXB13-related condition. Last evaluated: 2026-04-02. Review status: criteria provided, single submitter. Criteria: ACMG Guidelines, 2015. Collection method: clinical testing. Allele origin: germline.
Comment: The HOXB13 c.610G>A variant is predicted to result in the amino acid substitution p.Gly204Arg. To our knowledge, this variant has not been reported in the literature or in a large population database, indicating this variant is rare. It is interpreted as uncertain in ClinVar (Variation ID: 483477). At this time, the clinical significance of this variant is uncertain due to the absence of conclusive functional and genetic evidence.

Labcorp Genetics (formerly Invitae), Labcorp
Classification: Uncertain significance. Last evaluated: 2025-12-09. Review status: criteria provided, single submitter. Criteria: Invitae Variant Classification Sherloc (09022015). Collection method: clinical testing. Allele origin: germline.
Comment: This sequence change replaces glycine, which is neutral and non-polar, with arginine, which is basic and polar, at codon 204 of the HOXB13 protein (p.Gly204Arg). This variant is not present in population databases (gnomAD no frequency). This variant has not been reported in the literature in individuals affected with HOXB13-related conditions. ClinVar contains an entry for this variant (Variation ID: 483477). Invitae Evidence Modeling of protein sequence and biophysical properties (such as structural, functional, and spatial information, amino acid conservation, physicochemical variation, residue mobility, and thermodynamic stability) indicates that this missense variant is not expected to disrupt HOXB13 protein function with a negative predictive value of 80%. In summary, the available evidence is currently insufficient to determine the role of this variant in disease. Therefore, it has been classified as a Variant of Uncertain Significance.

Ambry Genetics
Classification: Uncertain significance for Hereditary cancer-predisposing syndrome. Last evaluated: 2025-09-20. Review status: criteria provided, single submitter. Criteria: Ambry Variant Classification Scheme 2023. Collection method: clinical testing. Allele origin: germline.
Comment: The p.G204R variant (also known as c.610G>A), located in coding exon 2 of the HOXB13 gene, results from a G to A substitution at nucleotide position 610. The glycine at codon 204 is replaced by arginine, an amino acid with dissimilar properties. This amino acid position is poorly conserved in available vertebrate species. In addition, this alteration is predicted to be tolerated by in silico analysis. Since supporting evidence is limited at this time, the clinical significance of this alteration remains unclear.

Quest Diagnostics Nichols Institute San Juan Capistrano
Classification: Uncertain significance. Last evaluated: 2025-08-05. Review status: criteria provided, single submitter. Criteria: Quest Diagnostics criteria. Collection method: clinical testing. Allele origin: unknown.
Comment: The HOXB13 c.610G>A (p.Gly204Arg) variant has not been reported in individuals with HOXB13-related conditions in the published literature. The frequency of this variant in the general population (Genome Aggregation Database) is higher than would generally be expected for pathogenic variants in this gene. Analysis of this variant using bioinformatics tools for the prediction of the effect of amino acid changes on protein structure and function yielded predictions that this variant is benign. Based on the available information, we are unable to determine the clinical significance of this variant.

GeneDx
Classification: Uncertain significance. Last evaluated: 2023-11-06. Review status: criteria provided, single submitter. Criteria: GeneDx Variant Classification Process June 2021. Collection method: clinical testing. Allele origin: germline. Affected: yes.
Comment: Not observed at significant frequency in large population cohorts (gnomAD); In silico analysis supports that this missense variant does not alter protein structure/function; Has not been previously published as pathogenic or benign to our knowledge

Sema4
Classification: Uncertain significance for Hereditary cancer-predisposing syndrome. Last evaluated: 2021-05-01. Review status: criteria provided, single submitter. Criteria: Sema4 Curation Guidelines. Collection method: curation. Allele origin: germline.
Comment: To the best of our knowledge, the HOXB13 c.610G>A (p.G204R) variant has not been reported in individuals with HOXB13-related disease. It was not observed in the Genome Aggregation Database (PMID: 32461654). The variant has been reported in ClinVar (Variation ID 483477). Computational analyses and evolutionary conservation suggest that the variant does not impact the function of protein, however these predictions have not been confirmed by published functional studies. The evidence is insufficient to meet ACMG/AMP criteria for classifying the variant as benign or pathogenic. Thus, the clinical significance of this variant is currently uncertain.

Literature cited by the submitters: PubMed 30224629 (cited by Quest Diagnostics Nichols Institute San Juan Capistrano).